The following is an entry in ClinVar:

ClinVar aggregate classification (germline): Uncertain significance. Review status: criteria provided, multiple submitters, no conflicts (2 of 4 stars). 2 submissions from 2 submitters: Uncertain significance (2). Last evaluated 2023-08-01.

Allele frequency attached by ClinVar (database versions not stated): gnomAD exomes 0.00001; gnomAD 0.00002; TOPMed 0.00003.
gnomAD v4.1: 15 of 1,611,224 alleles (0.00093%); highest among the groups gnomAD compares: African/African-American, 0.0027%; no homozygotes.

Submissions (2):

CeGaT Center for Human Genetics Tuebingen
Classification: Uncertain significance. Last evaluated: 2023-08-01. Review status: criteria provided, single submitter. Criteria: CeGaT Center For Human Genetics Tuebingen Variant Classification Criteria Version 2. Collection method: clinical testing. Allele origin: germline. Affected: yes. Observed: 1 variant allele.
Comment: COA3: PM2, BP4

Labcorp Genetics (formerly Invitae), Labcorp
Classification: Uncertain significance. Last evaluated: 2023-07-19. Review status: criteria provided, single submitter. Criteria: Invitae Variant Classification Sherloc (09022015). Collection method: clinical testing. Allele origin: germline.
Comment: Algorithms developed to predict the effect of missense changes on protein structure and function output the following: SIFT: "Not Available"; PolyPhen-2: "Benign"; Align-GVGD: "Not Available". The valine amino acid residue is found in multiple mammalian species, which suggests that this missense change does not adversely affect protein function. This sequence change replaces alanine, which is neutral and non-polar, with valine, which is neutral and non-polar, at codon 41 of the COA3 protein (p.Ala41Val). This variant is present in population databases (rs201237619, gnomAD 0.009%). This variant has not been reported in the literature in individuals affected with COA3-related conditions. In summary, the available evidence is currently insufficient to determine the role of this variant in disease. Therefore, it has been classified as a Variant of Uncertain Significance.

NM_001040431.3(COA3):c.122C>T (p.Ala41Val)

Gene: COA3 (cytochrome c oxidase assembly factor 3; minus strand). Cytogenetic location: 17q21.2.
Variant type: single nucleotide variant.
Coding change: c.122C>T on transcript NM_001040431.3 (MANE Select); coding-DNA position 122, C replaced by T.
Protein change: p.Ala41Val; replaces alanine 41 with valine.
Molecular consequence: missense variant.
Genome position (GRCh38, 1-based): chr17:42,798,560, G>A on the plus strand (C>T on the coding strand, the complement: COA3 is on the minus strand). VCF-style: chr17-42798560-G-A. GRCh37 (hg19) VCF-style: chr17-40950578-G-A.
Other names: short protein forms A41V.
Identifiers: ClinVar variation 2647804 (VCV002647804.27), dbSNP rs201237619, ClinGen allele CA8584791.